The following is an entry in ClinVar:

ClinVar aggregate classification (germline): Uncertain significance (1 of 4 stars; one submission).

Allele frequency attached by ClinVar (database versions not stated): gnomAD 0.00001; TOPMed 0.00002; ExAC 0.00003.
gnomAD v4.1: 18 of 1,613,352 alleles (0.0011%); highest among the groups gnomAD compares: Admixed American, 0.0083%; no homozygotes.

Submission:

Labcorp Genetics (formerly Invitae), Labcorp
Classification: Uncertain significance. Last evaluated: 2024-12-16. Review status: criteria provided, single submitter. Criteria: Invitae Variant Classification Sherloc (09022015). Collection method: clinical testing. Allele origin: germline.
Comment: This sequence change replaces arginine, which is basic and polar, with tryptophan, which is neutral and slightly polar, at codon 411 of the PITPNM3 protein (p.Arg411Trp). This variant is present in population databases (rs752331730, gnomAD 0.04%). This variant has not been reported in the literature in individuals affected with PITPNM3-related conditions. ClinVar contains an entry for this variant (Variation ID: 1990440). Invitae Evidence Modeling of protein sequence and biophysical properties (such as structural, functional, and spatial information, amino acid conservation, physicochemical variation, residue mobility, and thermodynamic stability) has been performed for this missense variant. However, the output from this modeling did not meet the statistical confidence thresholds required to predict the impact of this variant on PITPNM3 protein function. In summary, the available evidence is currently insufficient to determine the role of this variant in disease. Therefore, it has been classified as a Variant of Uncertain Significance.

NM_031220.4(PITPNM3):c.1231C>T (p.Arg411Trp)

Gene: PITPNM3 (PITPNM family member 3; minus strand). Cytogenetic location: 17p13.2.
Variant type: single nucleotide variant.
Coding change: c.1231C>T on transcript NM_031220.4 (MANE Select); coding-DNA position 1231, C replaced by T.
Protein change: p.Arg411Trp; replaces arginine 411 with tryptophan.
Molecular consequence: missense variant.
Genome position (GRCh38, 1-based): chr17:6,474,459, G>A on the plus strand (C>T on the coding strand, the complement: PITPNM3 is on the minus strand). VCF-style: chr17-6474459-G-A. GRCh37 (hg19) VCF-style: chr17-6377779-G-A.
Other names: c.1123C>T, p.Arg375Trp (NM_001165966.2); short protein forms R375W, R411W.
Identifiers: ClinVar variation 1990440 (VCV001990440.4), dbSNP rs752331730, ClinGen allele CA8329575.